The following is an entry in ClinVar:

NM_001348768.2(HECW2):c.699T>C (p.Ser233=)

Gene: HECW2 (HECT, C2 and WW domain containing E3 ubiquitin protein ligase 2; minus strand). Cytogenetic location: 2q32.3.
Variant type: single nucleotide variant.
Coding change: c.699T>C on transcript NM_001348768.2 (MANE Select); coding-DNA position 699, T replaced by C.
Protein change: p.Ser233=; no amino-acid change (serine 233 retained).
Molecular consequence: synonymous variant. On other transcripts: 5 prime UTR variant (1).
Genome position (GRCh38, 1-based): chr2:196,325,022, A>G on the plus strand (T>C on the coding strand, the complement: HECW2 is on the minus strand). VCF-style: chr2-196325022-A-G. GRCh37 (hg19) VCF-style: chr2-197189746-A-G.
Other names: c.-269T>C (NM_001304840.3); c.699T>C, p.Ser233= (NM_020760.4).
Identifiers: ClinVar variation 3388614 (VCV003388614.15).

ClinVar aggregate classification (germline): Likely benign. Review status: criteria provided, multiple submitters, no conflicts (2 of 4 stars). 2 submissions from 2 submitters: Likely benign (2). Last evaluated 2025-06-10.

gnomAD v4.1: 45 of 1,605,622 alleles (0.0028%); highest among the groups gnomAD compares: Non-Finnish European, 0.0036%; no homozygotes.

Submissions (2):

Women's Health and Genetics/Laboratory Corporation of America, LabCorp
Classification: Likely benign. Last evaluated: 2025-06-10. Review status: criteria provided, single submitter. Criteria: LabCorp Variant Classification Summary - May 2015. Collection method: clinical testing. Allele origin: germline.

CeGaT Center for Human Genetics Tuebingen
Classification: Likely benign. Last evaluated: 2024-09-01. Review status: criteria provided, single submitter. Criteria: CeGaT Center For Human Genetics Tuebingen Variant Classification Criteria Version 2. Collection method: clinical testing. Allele origin: germline. Affected: yes. Observed: 1 variant allele.
Comment: HECW2: BP4, BP7